The following is an entry in ClinVar:

ClinVar aggregate classification (germline): Likely benign. Review status: criteria provided, multiple submitters, no conflicts (2 of 4 stars). 4 submissions from 4 submitters: Likely benign (3). 1 of the submissions does not count toward it. Last evaluated 2025-12-26.

Conditions:
TRIP13-related disorder. Also called: TRIP13-related condition.

Allele frequency attached by ClinVar (database versions not stated): 1000 Genomes Project 30x 0.00016; 1000 Genomes Project 0.00020; TOPMed 0.00026; ExAC 0.00030; ESP Exome Variant Server 0.00031; gnomAD exomes 0.00031 and 0.00055; gnomAD 0.00033 and 0.00035.
gnomAD v4.1: 852 of 1,614,170 alleles (0.053%); highest among the groups gnomAD compares: Non-Finnish European, 0.067%; 2 homozygotes.

Submissions (4):

Labcorp Genetics (formerly Invitae), Labcorp
Classification: Likely benign. Last evaluated: 2025-12-26. Review status: criteria provided, single submitter. Criteria: Invitae Variant Classification Sherloc (09022015). Collection method: clinical testing. Allele origin: germline.

Blueprint Genetics
Classification: Likely benign. Last evaluated: 2024-11-19. Review status: criteria provided, single submitter. Criteria: ACMG Guidelines, 2015. Collection method: clinical testing. Allele origin: germline.

Breakthrough Genomics
Classification: Likely benign. Review status: criteria provided, single submitter. Criteria: ACMG Guidelines, 2015. Collection method: not provided. Allele origin: germline. Inheritance: Autosomal recessive inheritance. Affected: yes.

PreventionGenetics, part of Exact Sciences
Classification: Likely benign for TRIP13-related condition. Last evaluated: 2020-02-05. Review status: no assertion criteria provided. Collection method: clinical testing. Allele origin: germline. Not counted in ClinVar's aggregate classification.
Comment: This variant is classified as likely benign based on ACMG/AMP sequence variant interpretation guidelines (Richards et al. 2015 PMID: 25741868, with internal and published modifications).

NM_004237.4(TRIP13):c.516C>T (p.Asn172=)

Gene: TRIP13 (thyroid hormone receptor interactor 13; plus strand). Cytogenetic location: 5p15.33.
Variant type: single nucleotide variant.
Coding change: c.516C>T on transcript NM_004237.4 (MANE Select); coding-DNA position 516, C replaced by T.
Protein change: p.Asn172=; no amino-acid change (asparagine 172 retained).
Molecular consequence: synonymous variant.
Genome position (GRCh38, 1-based): chr5:901,412, C>T. VCF-style: chr5-901412-C-T. GRCh37 (hg19) VCF-style: chr5-901527-C-T.
Other names: c.516C>T, p.Asn172= (NM_001166260.2).
Identifiers: ClinVar variation 725450 (VCV000725450.11), dbSNP rs111928171, ClinGen allele CA3179876.